The following is an entry in ClinVar:

ClinVar aggregate classification (germline): Uncertain significance (1 of 4 stars; one submission).

Submission:

GeneDx
Classification: Uncertain significance. Last evaluated: 2024-02-08. Review status: criteria provided, single submitter. Criteria: GeneDx Variant Classification Process June 2021. Collection method: clinical testing. Allele origin: germline. Affected: yes.
Comment: Not observed at significant frequency in large population cohorts (gnomAD); Nonsense variant predicted to result in protein truncation as the last 85 amino acids are lost, and some loss-of-function variants have been reported downstream of this position in the protein; Has not been previously published as pathogenic or benign to our knowledge

NM_001348716.2(KDM6B):c.4794C>G (p.Tyr1598Ter)

Gene: KDM6B (lysine demethylase 6B; plus strand). Cytogenetic location: 17p13.1.
Variant type: single nucleotide variant.
Coding change: c.4794C>G on transcript NM_001348716.2 (MANE Select); coding-DNA position 4794, C replaced by G.
Protein change: p.Tyr1598Ter; replaces tyrosine 1598 with a stop codon.
Molecular consequence: nonsense.
Genome position (GRCh38, 1-based): chr17:7,853,266, C>G. VCF-style: chr17-7853266-C-G. GRCh37 (hg19) VCF-style: chr17-7756584-C-G.
Other names: c.4794C>G, p.Tyr1598Ter (NM_001080424.2); short protein forms Y1598*.
Identifiers: ClinVar variation 3369007 (VCV003369007.1).